The following is an entry in ClinVar:

NM_001365536.1(SCN9A):c.2161T>G (p.Phe721Val)

Genes: SCN1A-AS1 (SCN1A and SCN9A antisense RNA 1; plus strand), SCN9A (sodium voltage-gated channel alpha subunit 9; minus strand). Cytogenetic location: 2q24.3.
Variant type: single nucleotide variant.
Coding change: c.2161T>G on transcript NM_001365536.1 (MANE Select); coding-DNA position 2161, T replaced by G.
Protein change: p.Phe721Val; replaces phenylalanine 721 with valine.
Molecular consequence: missense variant.
Genome position (GRCh38, 1-based): chr2:166,280,539, A>C on the plus strand (T>G on the coding strand, the complement: SCN9A is on the minus strand). VCF-style: chr2-166280539-A-C. GRCh37 (hg19) VCF-style: chr2-167137049-A-C.
Other names: c.2128T>G, p.Phe710Val (NM_002977.4); short protein forms F710V, F721V.
Identifiers: ClinVar variation 1037965 (VCV001037965.10), dbSNP rs201266701, ClinGen allele CA1944318.

ClinVar aggregate classification (germline): Conflicting classifications of pathogenicity. Review status: criteria provided, conflicting classifications (1 of 4 stars). 3 submissions from 3 submitters: Uncertain significance (2); Likely benign (1). Last evaluated 2026-03-27.

Conditions:
SCN9A-related disorder. Also called: SCN9A-related disorders; SCN9A-related condition.
Inborn genetic diseases. Identifiers: MedGen C0950123, MeSH D030342.
Generalized epilepsy with febrile seizures plus, type 7 (GEFSP7). Also called: GEFS+, TYPE 7. Identifiers: Orphanet 36387, MedGen C2751778, MONDO:0013470, OMIM 613863.
Neuropathy, hereditary sensory and autonomic, type 2A (HSAN2A). Also called: MORVAN DISEASE; HSAN IIA; ACROOSTEOLYSIS, GIACCAI TYPE; ACROOSTEOLYSIS, NEUROGENIC; WNK1-Related HSAN2 (HSAN2A); NEUROPATHY, CONGENITAL SENSORY. Identifiers: Orphanet 970, MedGen C2752089, MONDO:0024309, OMIM 201300.

Allele frequency attached by ClinVar (database versions not stated): 1000 Genomes Project 30x 0.00016; 1000 Genomes Project 0.00020; ExAC 0.00022; gnomAD exomes 0.00002 and 0.00011; gnomAD 0.00004; TOPMed 0.00008.
gnomAD v4.1: 36 of 1,592,306 alleles (0.0023%); highest among the groups gnomAD compares: East Asian, 0.074%; no homozygotes.

Submissions (3):

PreventionGenetics, part of Exact Sciences
Classification: Uncertain significance for SCN9A-related condition. Last evaluated: 2026-03-27. Review status: criteria provided, single submitter. Criteria: ACMG Guidelines, 2015. Collection method: clinical testing. Allele origin: germline.
Comment: The SCN9A c.2128T>G variant is predicted to result in the amino acid substitution p.Phe710Val. This variant has been reported in the de novo state in an individual with genetic epilepsy with febrile seizures (Table e1, Peng et al. 2019. PubMed ID: 29933521). This variant has also been reported in the heterozygous state in an individual with pure small fibre neuropathy (Eijkenboom et al. 2018. PubMed ID: 30554136). This variant is reported in 0.15% of alleles in individuals of East Asian descent in gnomAD. At this time, the clinical significance of this variant is uncertain due to the absence of conclusive functional and genetic evidence.

Labcorp Genetics (formerly Invitae), Labcorp
Classification: Likely benign for Neuropathy, hereditary sensory and autonomic, type 2A; Generalized epilepsy with febrile seizures plus, type 7. Last evaluated: 2025-05-19. Review status: criteria provided, single submitter. Criteria: Invitae Variant Classification Sherloc (09022015). Collection method: clinical testing. Allele origin: germline.

Ambry Genetics
Classification: Uncertain significance for Inborn genetic diseases. Last evaluated: 2023-04-11. Review status: criteria provided, single submitter. Criteria: Ambry Variant Classification Scheme 2023. Collection method: clinical testing. Allele origin: germline.
Comment: Unlikely to be causative of SCN9A-related neuropathic pain syndromes (AD) Based on insufficient or conflicting evidence, the clinical significance of this alteration remains unclear.

Literature cited by the submitters: PubMed 29933521 (cited by Ambry Genetics); PubMed 30554136 (cited by Ambry Genetics).